The following is an entry in ClinVar:

ClinVar aggregate classification (germline): Uncertain significance. Review status: criteria provided, multiple submitters, no conflicts (2 of 4 stars). 4 submissions from 4 submitters: Uncertain significance (4). Last evaluated 2024-12-06.

Conditions:
Developmental and epileptic encephalopathy, 18 (DEE18). Also called: Early infantile epileptic encephalopathy 18. Identifiers: Orphanet 369894, MedGen C3809624, MONDO:0014201, OMIM 615476.
Inborn genetic diseases. Identifiers: MedGen C0950123, MeSH D030342.

Allele frequency attached by ClinVar (database versions not stated): TOPMed 0.00002; ExAC 0.00008; gnomAD exomes 0.00009.
gnomAD v4.1: 22 of 1,597,712 alleles (0.0014%); highest among the groups gnomAD compares: Admixed American, 0.035%; no homozygotes.

Submissions (4):

Ambry Genetics
Classification: Uncertain significance for Inborn genetic diseases. Last evaluated: 2024-12-06. Review status: criteria provided, single submitter. Criteria: Ambry Variant Classification Scheme 2023. Collection method: clinical testing. Allele origin: germline.

Genome-Nilou Lab
Classification: Uncertain significance for Developmental and epileptic encephalopathy, 18. Last evaluated: 2023-04-11. Review status: criteria provided, single submitter. Criteria: ACMG Guidelines, 2015. Collection method: clinical testing. Allele origin: germline. Affected: no.

Labcorp Genetics (formerly Invitae), Labcorp
Classification: Uncertain significance. Last evaluated: 2022-06-27. Review status: criteria provided, single submitter. Criteria: Invitae Variant Classification Sherloc (09022015). Collection method: clinical testing. Allele origin: germline.
Comment: This sequence change replaces glycine, which is neutral and non-polar, with valine, which is neutral and non-polar, at codon 713 of the SZT2 protein (p.Gly713Val). This variant is present in population databases (rs766656735, gnomAD 0.06%). This variant has not been reported in the literature in individuals affected with SZT2-related conditions. ClinVar contains an entry for this variant (Variation ID: 411933). Algorithms developed to predict the effect of missense changes on protein structure and function are either unavailable or do not agree on the potential impact of this missense change (SIFT: "Deleterious"; PolyPhen-2: "Probably Damaging"; Align-GVGD: "Class C0"). In summary, the available evidence is currently insufficient to determine the role of this variant in disease. Therefore, it has been classified as a Variant of Uncertain Significance.

GeneDx
Classification: Uncertain significance. Last evaluated: 2022-04-27. Review status: criteria provided, single submitter. Criteria: GeneDx Variant Classification Process June 2021. Collection method: clinical testing. Allele origin: germline. Affected: yes.
Comment: In silico analysis supports that this missense variant does not alter protein structure/function; Has not been previously published as pathogenic or benign to our knowledge

NM_001365999.1(SZT2):c.2138G>T (p.Gly713Val)

Gene: SZT2 (SZT2 subunit of KICSTOR complex; plus strand). Cytogenetic location: 1p34.2.
Variant type: single nucleotide variant.
Coding change: c.2138G>T on transcript NM_001365999.1 (MANE Select); coding-DNA position 2138, G replaced by T.
Protein change: p.Gly713Val; replaces glycine 713 with valine.
Molecular consequence: missense variant.
Genome position (GRCh38, 1-based): chr1:43,423,199, G>T. VCF-style: chr1-43423199-G-T. GRCh37 (hg19) VCF-style: chr1-43888870-G-T.
Other names: c.2138G>T, p.Gly713Val (NM_015284.4); short protein forms G713V.
Identifiers: ClinVar variation 411933 (VCV000411933.11), dbSNP rs766656735, ClinGen allele CA808623.